The following is an entry in ClinVar:

NM_001369.3(DNAH5):c.7601C>T (p.Ala2534Val)

Gene: DNAH5 (dynein axonemal heavy chain 5; minus strand). Cytogenetic location: 5p15.2.
Variant type: single nucleotide variant.
Coding change: c.7601C>T on transcript NM_001369.3 (MANE Select); coding-DNA position 7601, C replaced by T.
Protein change: p.Ala2534Val; replaces alanine 2534 with valine.
Molecular consequence: missense variant.
Genome position (GRCh38, 1-based): chr5:13,810,067, G>A on the plus strand (C>T on the coding strand, the complement: DNAH5 is on the minus strand). VCF-style: chr5-13810067-G-A. GRCh37 (hg19) VCF-style: chr5-13810176-G-A.
Other names: c.7601C>T (NM_001369.2); short protein forms A2534V.
Identifiers: ClinVar variation 2149023 (VCV002149023.5), dbSNP rs773382166, ClinGen allele CA3203069.

ClinVar aggregate classification (germline): Conflicting classifications of pathogenicity. Review status: criteria provided, conflicting classifications (1 of 4 stars). 2 submissions from 2 submitters: Uncertain significance (1); Benign (1). Last evaluated 2025-10-21.

Conditions:
Primary ciliary dyskinesia. Also called: Ciliary dyskinesia. Identifiers: Orphanet 244, MedGen C0008780, MONDO:0016575, HP:0012265.

Allele frequency attached by ClinVar (database versions not stated): gnomAD 0.00002; gnomAD exomes 0.00002; TOPMed 0.00002; ExAC 0.00005.
gnomAD v4.1: 32 of 1,552,306 alleles (0.0021%); highest among the groups gnomAD compares: African/African-American, 0.0041%; no homozygotes.

Submissions (2):

Labcorp Genetics (formerly Invitae), Labcorp
Classification: Benign for Primary ciliary dyskinesia. Last evaluated: 2025-10-21. Review status: criteria provided, single submitter. Criteria: Invitae Variant Classification Sherloc (09022015). Collection method: clinical testing. Allele origin: germline.

Ambry Genetics
Classification: Uncertain significance for Primary ciliary dyskinesia. Last evaluated: 2024-07-24. Review status: criteria provided, single submitter. Criteria: Ambry Variant Classification Scheme 2023. Collection method: clinical testing. Allele origin: germline.
Comment: The p.A2534V variant (also known as c.7601C>T), located in coding exon 45 of the DNAH5 gene, results from a C to T substitution at nucleotide position 7601. The alanine at codon 2534 is replaced by valine, an amino acid with similar properties. This amino acid position is conserved. In addition, this alteration is predicted to be tolerated by in silico analysis. Based on the available evidence, the clinical significance of this variant remains unclear.